The following is an entry in ClinVar:

NM_001127208.3(TET2):c.3009G>C (p.Trp1003Cys)

Genes: TET2 (tet methylcytosine dioxygenase 2; plus strand), TET2-AS1 (TET2 antisense RNA 1; minus strand). Cytogenetic location: 4q24.
Variant type: single nucleotide variant.
Coding change: c.3009G>C on transcript NM_001127208.3 (MANE Select); coding-DNA position 3009, G replaced by C.
Protein change: p.Trp1003Cys; replaces tryptophan 1003 with cysteine.
Molecular consequence: missense variant.
Genome position (GRCh38, 1-based): chr4:105,236,951, G>C. VCF-style: chr4-105236951-G-C. GRCh37 (hg19) VCF-style: chr4-106158108-G-C.
Other names: c.3009G>C, p.Trp1003Cys (NM_017628.4); short protein forms W1003C.
Identifiers: ClinVar variation 4825008 (VCV004825008.1).
Genomic context (GRCh38, chr4:105,236,951, plus strand): 5'-GGAACCTGGATGCAAGCCACATGCCTGTATGCACACAGCACCACCAGAAAACAAAACATG[G>C]AAAAAGGTAACTAAGCAAGAGAATCCACCTGCAAGCTGTGATAATGTGCAGCAAAAGAGC-3'
Protein context (NP_001120680.1, residues 993-1013): MHTAPPENKT[Trp1003Cys]KKVTKQENPP

ClinVar aggregate classification (germline): Uncertain significance (1 of 4 stars; one submission).

Submission:

Ambry Genetics
Classification: Uncertain significance. Last evaluated: 2026-01-24. Review status: criteria provided, single submitter. Criteria: Ambry Variant Classification Scheme 2023. Collection method: clinical testing. Allele origin: germline.
Comment: The p.W1003C variant (also known as c.3009G>C), located in coding exon 1 of the TET2 gene, results from a G to C substitution at nucleotide position 3009. The tryptophan at codon 1003 is replaced by cysteine, an amino acid with highly dissimilar properties. This amino acid position is conserved. In addition, this alteration is predicted to be tolerated by in silico analysis. Based on the available evidence, the clinical significance of this variant remains unclear.